The following is an entry in ClinVar:

ClinVar aggregate classification (germline): Likely benign. Review status: criteria provided, single submitter (1 of 4 stars). 2 submissions from 2 submitters: Likely benign (1). 1 of the submissions does not count toward it. Last evaluated 2025-08-20.

Conditions:
TRIP13-related disorder. Also called: TRIP13-related condition.

Allele frequency attached by ClinVar (database versions not stated): gnomAD 0.00007; ESP Exome Variant Server 0.00015; gnomAD exomes 0.00007; ExAC 0.00002; TOPMed 0.00009.
gnomAD v4.1: 111 of 1,612,638 alleles (0.0069%); highest among the groups gnomAD compares: African/African-American, 0.021%; no homozygotes.

Submissions (2):

Labcorp Genetics (formerly Invitae), Labcorp
Classification: Likely benign. Last evaluated: 2025-08-20. Review status: criteria provided, single submitter. Criteria: Invitae Variant Classification Sherloc (09022015). Collection method: clinical testing. Allele origin: germline.

PreventionGenetics, part of Exact Sciences
Classification: Likely benign for TRIP13-related condition. Last evaluated: 2019-11-15. Review status: no assertion criteria provided. Collection method: clinical testing. Allele origin: germline. Not counted in ClinVar's aggregate classification.
Comment: This variant is classified as likely benign based on ACMG/AMP sequence variant interpretation guidelines (Richards et al. 2015 PMID: 25741868, with internal and published modifications).

NM_004237.4(TRIP13):c.445-5A>G

Gene: TRIP13 (thyroid hormone receptor interactor 13; plus strand). Cytogenetic location: 5p15.33.
Variant type: single nucleotide variant.
Coding change: c.445-5A>G on transcript NM_004237.4 (MANE Select); 5 bases into the intron before coding-DNA position 445, A replaced by G.
Molecular consequence: intron variant.
Genome position (GRCh38, 1-based): chr5:901,336, A>G. VCF-style: chr5-901336-A-G. GRCh37 (hg19) VCF-style: chr5-901451-A-G.
Other names: c.445-5A>G (NM_001166260.2).
Identifiers: ClinVar variation 3045121 (VCV003045121.4), dbSNP rs372479379, ClinGen allele CA3179865.
Genomic context (GRCh38, chr5:901,336, plus strand): 5'-CACATTTCTTGGGGACCTTTGCCTTGTTGGTATCTTTGTCAAGCTCTTTTCTTTTTCTCT[A>G]TCAGCTCCTCGATTATGTGATGACAACTTTACTGTTTTCAGACAAGAACGTCAACAGCAA-3'